The following is an entry in ClinVar:

ClinVar aggregate classification (germline): Benign (0 of 4 stars; one submission).

Conditions:
MAP3K15-related disorder. Also called: MAP3K15-related condition.

Allele frequency attached by ClinVar (database versions not stated): gnomAD exomes 0.00115; ExAC 0.00442; gnomAD 0.01206; 1000 Genomes Project 0.01351; TOPMed 0.01377; 1000 Genomes Project 30x 0.01394; ESP Exome Variant Server 0.01477.
gnomAD v4.1: 2,702 of 1,208,821 alleles (0.22%); highest among the groups gnomAD compares: African/African-American, 3.9%; 40 homozygotes.

Submission:

PreventionGenetics, part of Exact Sciences
Classification: Benign for MAP3K15-related condition. Last evaluated: 2019-09-05. Review status: no assertion criteria provided. Collection method: clinical testing. Allele origin: germline.
Comment: This variant is classified as benign based on ACMG/AMP sequence variant interpretation guidelines (Richards et al. 2015 PMID: 25741868, with internal and published modifications).

NM_001001671.4(MAP3K15):c.2356G>A (p.Gly786Arg)

Gene: MAP3K15 (mitogen-activated protein kinase kinase kinase 15; minus strand). Cytogenetic location: Xp22.12.
Variant type: single nucleotide variant.
Coding change: c.2356G>A on transcript NM_001001671.4 (MANE Select); coding-DNA position 2356, G replaced by A.
Protein change: p.Gly786Arg; replaces glycine 786 with arginine.
Molecular consequence: missense variant.
Genome position (GRCh38, 1-based): chrX:19,392,077, C>T on the plus strand (G>A on the coding strand, the complement: MAP3K15 is on the minus strand). VCF-style: chrX-19392077-C-T. GRCh37 (hg19) VCF-style: chrX-19410195-C-T.
Other names: short protein forms G786R.
Identifiers: ClinVar variation 3035184 (VCV003035184.2), dbSNP rs79798608, ClinGen allele CA10363773.